The following is an entry in ClinVar:

ClinVar aggregate classification (germline): Uncertain significance (1 of 4 stars; one submission).

Submission:

Labcorp Genetics (formerly Invitae), Labcorp
Classification: Uncertain significance. Last evaluated: 2025-01-13. Review status: criteria provided, single submitter. Criteria: Invitae Variant Classification Sherloc (09022015). Collection method: clinical testing. Allele origin: germline.
Comment: This sequence change replaces alanine, which is neutral and non-polar, with glycine, which is neutral and non-polar, at codon 517 of the RHOBTB2 protein (p.Ala517Gly). This variant is not present in population databases (gnomAD no frequency). This variant has not been reported in the literature in individuals affected with RHOBTB2-related conditions. Invitae Evidence Modeling of protein sequence and biophysical properties (such as structural, functional, and spatial information, amino acid conservation, physicochemical variation, residue mobility, and thermodynamic stability) indicates that this missense variant is not expected to disrupt RHOBTB2 protein function with a negative predictive value of 80%. In summary, the available evidence is currently insufficient to determine the role of this variant in disease. Therefore, it has been classified as a Variant of Uncertain Significance.

NM_015178.3(RHOBTB2):c.1484C>G (p.Ala495Gly)

Gene: RHOBTB2 (Rho related BTB domain containing 2; plus strand). Cytogenetic location: 8p21.3.
Variant type: single nucleotide variant.
Coding change: c.1484C>G on transcript NM_015178.3 (MANE Select); coding-DNA position 1484, C replaced by G.
Protein change: p.Ala495Gly; replaces alanine 495 with glycine.
Molecular consequence: missense variant.
Genome position (GRCh38, 1-based): chr8:23,007,729, C>G. VCF-style: chr8-23007729-C-G. GRCh37 (hg19) VCF-style: chr8-22865242-C-G.
Other names: c.1550C>G, p.Ala517Gly (NM_001160036.2); c.1505C>G, p.Ala502Gly (NM_001160037.2); c.1484C>G, p.Ala495Gly (NM_001374791.1); short protein forms A517G, A495G, A502G.
Identifiers: ClinVar variation 3665348 (VCV003665348.2).